The following is an entry in ClinVar:

ClinVar aggregate classification (germline): Uncertain significance (1 of 4 stars; one submission).

Submission:

Labcorp Genetics (formerly Invitae), Labcorp
Classification: Uncertain significance. Last evaluated: 2021-10-27. Review status: criteria provided, single submitter. Criteria: Invitae Variant Classification Sherloc (09022015). Collection method: clinical testing. Allele origin: germline.
Comment: In summary, the available evidence is currently insufficient to determine the role of this variant in disease. Therefore, it has been classified as a Variant of Uncertain Significance. Experimental studies and prediction algorithms are not available or were not evaluated, and the functional significance of this variant is currently unknown. This variant has not been reported in the literature in individuals affected with ARSG-related conditions. This variant is not present in population databases (gnomAD no frequency). This sequence change results in a frameshift in the ARSG gene (p.Tyr516Thrfs*25). While this is not anticipated to result in nonsense mediated decay, it is expected to disrupt the last 10 amino acid(s) of the ARSG protein and extend the protein by 14 additional amino acid residues.

NM_001267727.2(ARSG):c.1545del (p.Tyr516fs)

Genes: ARSG (arylsulfatase G; plus strand), PRKAR1A (protein kinase cAMP-dependent type I regulatory subunit alpha; plus strand). Cytogenetic location: 17q24.2.
Variant type: Deletion.
Coding change: c.1545del on transcript NM_001267727.2 (MANE Select); coding-DNA position 1545, one base deleted (C; older notation c.1545delC).
Protein change: p.Tyr516fs; shifts the reading frame from tyrosine 516.
Molecular consequence: frameshift variant. On other transcripts: intron variant (3).
Genome position (GRCh38, 1-based): chr17:68,420,430, C deleted; the last of 3 consecutive C bases (chr17:68,420,428-68,420,430); deleting any one gives the same sequence. VCF-style (leftmost placement, unchanged base first): chr17-68420427-TC-T. GRCh37 (hg19) VCF-style: chr17-66416568-TC-T.
Other names: c.1545del, p.Tyr516fs (NM_001352899.2, NM_001352900.2, NM_001352901.2 and 2 more transcripts); c.1542del, p.Tyr515fs (NM_001352903.2, NM_001352904.2, NM_001352905.2 and 2 more transcripts); c.1303+18980del (NM_001352910.2); c.1255+18980del (NM_001352909.2); c.-7+6635del (NM_001278433.2); short protein forms Y515fs, Y516fs.
Identifiers: ClinVar variation 1389689 (VCV001389689.8), dbSNP rs2147614107, ClinGen allele CA913013496.
Genomic context (GRCh38, chr17:68,420,427, plus strand): 5'-CAACGACAACATCTCCAGCGCAGATTACACTCAGGACCCTTCAGTAACTCCCTGCTGTAA[TC>T]CCTACCAAATTGCCTGCCGCTGTCAAGCCGCATAACAGACCAATTTTTATTCCACGAGGA-3'